The following is an entry in ClinVar:

NM_000368.5(TSC1):c.2883G>C (p.Glu961Asp)

Gene: TSC1 (TSC complex subunit 1; minus strand). Cytogenetic location: 9q34.13.
Variant type: single nucleotide variant.
Coding change: c.2883G>C on transcript NM_000368.5 (MANE Select); coding-DNA position 2883, G replaced by C.
Protein change: p.Glu961Asp; replaces glutamic acid 961 with aspartic acid.
Molecular consequence: missense variant.
Genome position (GRCh38, 1-based): chr9:132,897,276, C>G on the plus strand (G>C on the coding strand, the complement: TSC1 is on the minus strand). VCF-style: chr9-132897276-C-G. GRCh37 (hg19) VCF-style: chr9-135772663-C-G.
Other names: c.2880G>C, p.Glu960Asp (NM_001162426.2); c.2730G>C, p.Glu910Asp (NM_001162427.2); c.2520G>C, p.Glu840Asp (NM_001362177.2); short protein forms E910D, E960D, E961D, E840D.
Identifiers: ClinVar variation 1361315 (VCV001361315.8), dbSNP rs2131626309, ClinGen allele CA375368794.

ClinVar aggregate classification (germline): Uncertain significance (1 of 4 stars; one submission).

Conditions:
Tuberous sclerosis 1 (TSC1). Identifiers: Orphanet 805, MedGen C1854465, MONDO:0008612, OMIM 191100.

Submission:

Labcorp Genetics (formerly Invitae), Labcorp
Classification: Uncertain significance for Tuberous sclerosis 1. Last evaluated: 2021-06-21. Review status: criteria provided, single submitter. Criteria: Invitae Variant Classification Sherloc (09022015). Collection method: clinical testing. Allele origin: germline.
Comment: In summary, the available evidence is currently insufficient to determine the role of this variant in disease. Therefore, it has been classified as a Variant of Uncertain Significance. Algorithms developed to predict the effect of missense changes on protein structure and function (SIFT, PolyPhen-2, Align-GVGD) all suggest that this variant is likely to be tolerated, but these predictions have not been confirmed by published functional studies and their clinical significance is uncertain. This variant has not been reported in the literature in individuals with TSC1-related conditions. This variant is not present in population databases (ExAC no frequency). This sequence change replaces glutamic acid with aspartic acid at codon 961 of the TSC1 protein (p.Glu961Asp). The glutamic acid residue is highly conserved and there is a small physicochemical difference between glutamic acid and aspartic acid.